The following is an entry in ClinVar:

NM_002691.4(POLD1):c.89G>T (p.Arg30Leu)

Gene: POLD1 (DNA polymerase delta 1, catalytic subunit; plus strand). Cytogenetic location: 19q13.33.
Variant type: single nucleotide variant.
Coding change: c.89G>T on transcript NM_002691.4 (MANE Select); coding-DNA position 89, G replaced by T.
Protein change: p.Arg30Leu; replaces arginine 30 with leucine.
Molecular consequence: missense variant. On other transcripts: non-coding transcript variant (1).
Genome position (GRCh38, 1-based): chr19:50,398,940, G>T. VCF-style: chr19-50398940-G-T. GRCh37 (hg19) VCF-style: chr19-50902197-G-T.
Other names: c.89G>T, p.Arg30Leu (NM_001256849.1, NM_001308632.1); short protein forms R30L.
Identifiers: ClinVar variation 863652 (VCV000863652.12), dbSNP rs765969481, ClinGen allele CA9595614.

ClinVar aggregate classification (germline): Uncertain significance. Review status: criteria provided, multiple submitters, no conflicts (2 of 4 stars). 2 submissions from 2 submitters: Uncertain significance (2). Last evaluated 2025-12-09.

Conditions:
POLD1-related polyposis and colorectal cancer syndrome (CRCS10). Also called: Colorectal cancer 10; COLORECTAL CANCER, SUSCEPTIBILITY TO, ON CHROMOSOME 19q; Colorectal cancer, susceptibility to, 10. Identifiers: Orphanet 220460, MedGen C2675481, MONDO:0012953, OMIM 612591.
Hereditary cancer-predisposing syndrome. Also called: Tumor predisposition; Hereditary Cancer Syndrome; Hereditary neoplastic syndrome; Neoplastic Syndromes, Hereditary. Identifiers: Orphanet 140162, MedGen C0027672, MeSH D009386, MONDO:0015356.

Allele frequency attached by ClinVar (database versions not stated): ExAC 0.00002; TOPMed below 0.00001.
gnomAD v4.1: 1 of 1,593,126 alleles (0.000063%); highest among the groups gnomAD compares: Non-Finnish European, 0.000085%; no homozygotes.

Submissions (2):

Labcorp Genetics (formerly Invitae), Labcorp
Classification: Uncertain significance for POLD1-related polyposis and colorectal cancer syndrome. Last evaluated: 2025-12-09. Review status: criteria provided, single submitter. Criteria: Invitae Variant Classification Sherloc (09022015). Collection method: clinical testing. Allele origin: germline.
Comment: This sequence change replaces arginine, which is basic and polar, with leucine, which is neutral and non-polar, at codon 30 of the POLD1 protein (p.Arg30Leu). The frequency data for this variant in the population databases is considered unreliable, as metrics indicate poor data quality at this position in the gnomAD database. This variant has not been reported in the literature in individuals affected with POLD1-related conditions. ClinVar contains an entry for this variant (Variation ID: 863652). An algorithm developed to predict the effect of missense changes on protein structure and function (PolyPhen-2) suggests that this variant is likely to be tolerated. RNA analysis performed to evaluate the impact of this missense change on mRNA splicing indicates it does not significantly alter splicing (internal data). In summary, the available evidence is currently insufficient to determine the role of this variant in disease. Therefore, it has been classified as a Variant of Uncertain Significance.

Ambry Genetics
Classification: Uncertain significance for Hereditary cancer-predisposing syndrome. Last evaluated: 2024-03-08. Review status: criteria provided, single submitter. Criteria: Ambry Variant Classification Scheme 2023. Collection method: clinical testing. Allele origin: germline.
Comment: The p.R30L variant (also known as c.89G>T), located in coding exon 1 of the POLD1 gene, results from a G to T substitution at nucleotide position 89. The arginine at codon 30 is replaced by leucine, an amino acid with dissimilar properties. This amino acid position is conserved. In addition, this alteration is predicted to be tolerated by in silico analysis. Since supporting evidence is limited at this time, the clinical significance of this alteration remains unclear.